The following is an entry in ClinVar:

ClinVar aggregate classification (germline): Benign (1 of 4 stars; one submission).

Conditions:
Anemia, nonspherocytic hemolytic, due to G6PD deficiency (CNSHA1). Also called: Hemolytic anemia due to G6PD deficiency; Class I glucose-6-phosphate dehydrogenase deficiency; Favism, susceptibility to; ANEMIA, CONGENITAL, NONSPHEROCYTIC HEMOLYTIC, 1. Identifiers: Orphanet 466026, MedGen C2720289, MONDO:0010480, OMIM 300908.

Submission:

Dunham Lab, University of Washington
Classification: Benign for Anemia, nonspherocytic hemolytic, due to G6PD deficiency. Last evaluated: 2022-08-12. Review status: criteria provided, single submitter. Criteria: ACMG Guidelines, 2015. Collection method: curation. Allele origin: unknown.
Comment: Variant found at a frequency of over 13% in gnomAD (BA1).

NM_001360016.2(G6PD):c.121-1813del

Gene: G6PD (glucose-6-phosphate dehydrogenase; minus strand). Cytogenetic location: Xq28.
Variant type: Deletion.
Coding change: c.121-1813del on transcript NM_001360016.2 (MANE Select); 1813 bases into the intron before coding-DNA position 121, one base deleted (A; older notation c.121-1813delA).
Molecular consequence: intron variant.
Genome position (GRCh38, 1-based): chrX:154,537,991, T deleted on the plus strand (A on the coding strand, the reverse complement: G6PD is on the minus strand); the first of 21 consecutive T bases (chrX:154,537,991-154,538,011); deleting any one gives the same sequence. VCF-style (leftmost placement, unchanged base first): chrX-154537990-GT-G. GRCh37 (hg19): chrX:153,766,206-153,766,225.
Other names: c.211-1813del (NM_000402.4); c.121-1813del (NM_001042351.3).
Identifiers: ClinVar variation 1722753 (VCV001722753.2), dbSNP rs781988750, ClinGen allele CA873336270.